The following is an entry in ClinVar:

ClinVar aggregate classification (germline): Benign. Review status: criteria provided, multiple submitters, no conflicts (2 of 4 stars). 2 submissions from 2 submitters: Benign (2). Last evaluated 2018-01-12.

Conditions:
Heterotaxy, visceral, 4, autosomal (HTX4). Identifiers: Orphanet 450, MedGen C3151057, MONDO:0013403, OMIM 613751.

Allele frequency attached by ClinVar (database versions not stated): gnomAD exomes 0.02390; gnomAD 0.05701 and 0.06066; TOPMed 0.06960; 1000 Genomes Project 0.09385.

Submissions (2):

Illumina Laboratory Services, Illumina
Classification: Benign for Heterotaxy, visceral, 4, autosomal. Last evaluated: 2018-01-12. Review status: criteria provided, single submitter. Criteria: ICSL Variant Classification Criteria 13 December 2019. Collection method: clinical testing. Allele origin: germline.
Comment: This variant was observed in the ICSL laboratory as part of a predisposition screen in an ostensibly healthy population. It had not been previously curated by ICSL or reported in the Human Gene Mutation Database (HGMD: prior to June 1st, 2018), and was therefore a candidate for classification through an automated scoring system. Utilizing variant allele frequency, disease prevalence and penetrance estimates, and inheritance mode, an automated score was calculated to assess if this variant is too frequent to cause the disease. Based on the score and internal cut-off values, a variant classified as benign is not then subjected to further curation. The score for this variant resulted in a classification of benign for this disease.

Breakthrough Genomics
Classification: Benign. Review status: criteria provided, single submitter. Criteria: ACMG Guidelines, 2015. Collection method: not provided. Allele origin: germline. Inheritance: Unknown mechanism. Affected: yes.

NM_001106.4(ACVR2B):c.*501G>C

Gene: ACVR2B (activin A receptor type 2B; plus strand). Cytogenetic location: 3p22.2.
Variant type: single nucleotide variant.
Coding change: c.*501G>C on transcript NM_001106.4 (MANE Select); 501 bases downstream of the stop codon, G replaced by C.
Molecular consequence: 3 prime UTR variant.
Genome position (GRCh38, 1-based): chr3:38,483,833, G>C. VCF-style: chr3-38483833-G-C. GRCh37 (hg19) VCF-style: chr3-38525324-G-C.
Identifiers: ClinVar variation 344933 (VCV000344933.6), dbSNP rs61085191, ClinGen allele CA10616236.